The following is an entry in ClinVar:

ClinVar aggregate classification (germline): Likely benign. Review status: criteria provided, single submitter (1 of 4 stars). 2 submissions from 2 submitters: Likely benign (1). 1 of the submissions does not count toward it. Last evaluated 2025-06-01.

Conditions:
Genitopatellar syndrome (GTPTS). Also called: Genitopatellar syndrome (GPS); ABSENT PATELLAE, SCROTAL HYPOPLASIA, RENAL ANOMALIES, FACIAL DYSMORPHISM, AND MENTAL RETARDATION. Identifiers: Orphanet 85201, MedGen C1853566, MONDO:0011640, OMIM 606170.
KAT6B-related disorder. Also called: KAT6B-related disorders; KAT6B-related condition.

Allele frequency attached by ClinVar (database versions not stated): ExAC 0.00001.
gnomAD v4.1: 10 of 1,613,866 alleles (0.00062%); highest among the groups gnomAD compares: Admixed American, 0.005%; no homozygotes.

Submissions (2):

Labcorp Genetics (formerly Invitae), Labcorp
Classification: Likely benign for Genitopatellar syndrome. Last evaluated: 2025-06-01. Review status: criteria provided, single submitter. Criteria: Invitae Variant Classification Sherloc (09022015). Collection method: clinical testing. Allele origin: germline.

PreventionGenetics, part of Exact Sciences
Classification: Likely benign for KAT6B-related condition. Last evaluated: 2019-04-16. Review status: no assertion criteria provided. Collection method: clinical testing. Allele origin: germline. Not counted in ClinVar's aggregate classification.
Comment: This variant is classified as likely benign based on ACMG/AMP sequence variant interpretation guidelines (Richards et al. 2015 PMID: 25741868, with internal and published modifications).

NM_012330.4(KAT6B):c.582G>A (p.Ser194=)

Gene: KAT6B (lysine acetyltransferase 6B; plus strand). Cytogenetic location: 10q22.2.
Variant type: single nucleotide variant.
Coding change: c.582G>A on transcript NM_012330.4 (MANE Select); coding-DNA position 582, G replaced by A.
Protein change: p.Ser194=; no amino-acid change (serine 194 retained).
Molecular consequence: synonymous variant. On other transcripts: missense variant (2).
Genome position (GRCh38, 1-based): chr10:74,843,439, G>A. VCF-style: chr10-74843439-G-A. GRCh37 (hg19) VCF-style: chr10-76603197-G-A.
Other names: c.582G>A (NM_012330.3); c.582G>A, p.Ser194= (NM_001256468.2, NM_001256469.2, NM_001370132.1 and 10 more transcripts); c.44G>A, p.Arg15His (NM_001370134.1, NM_001370135.1); short protein forms R15H.
Identifiers: ClinVar variation 2197313 (VCV002197313.6), dbSNP rs764335792, ClinGen allele CA5564239.